The following is an entry in ClinVar:

NM_001003800.2(BICD2):c.1429G>C (p.Glu477Gln)

Gene: BICD2 (BICD cargo adaptor 2; minus strand). Cytogenetic location: 9q22.31.
Variant type: single nucleotide variant.
Coding change: c.1429G>C on transcript NM_001003800.2 (MANE Select); coding-DNA position 1429, G replaced by C.
Protein change: p.Glu477Gln; replaces glutamic acid 477 with glutamine.
Molecular consequence: missense variant.
Genome position (GRCh38, 1-based): chr9:92,719,216, C>G on the plus strand (G>C on the coding strand, the complement: BICD2 is on the minus strand). VCF-style: chr9-92719216-C-G. GRCh37 (hg19) VCF-style: chr9-95481498-C-G.
Other names: c.1429G>C, p.Glu477Gln (NM_015250.4); short protein forms E477Q.
Identifiers: ClinVar variation 1056967 (VCV001056967.9), dbSNP rs372840233, ClinGen allele CA196340755.

ClinVar aggregate classification (germline): Uncertain significance (1 of 4 stars; one submission).

Conditions:
Autosomal dominant childhood-onset proximal spinal muscular atrophy with contractures (SMALED2A). Also called: Spinal muscular atrophy, lower extremity-predominant, 2A, autosomal dominant; SPINAL MUSCULAR ATROPHY, LOWER EXTREMITY-PREDOMINANT, 2A, CHILDHOOD ONSET, AUTOSOMAL DOMINANT. Identifiers: Orphanet 363447, Orphanet 363454, MedGen C4747715, MONDO:0014121, OMIM 615290.

Allele frequency attached by ClinVar (database versions not stated): gnomAD exomes below 0.00001; TOPMed 0.00001; ESP Exome Variant Server 0.00008.
gnomAD v4.1: 1 of 1,611,448 alleles (0.000062%); highest among the groups gnomAD compares: Non-Finnish European, 0.000085%; no homozygotes.

Submission:

Labcorp Genetics (formerly Invitae), Labcorp
Classification: Uncertain significance for Autosomal dominant childhood-onset proximal spinal muscular atrophy with contractures. Last evaluated: 2020-09-01. Review status: criteria provided, single submitter. Criteria: Invitae Variant Classification Sherloc (09022015). Collection method: clinical testing. Allele origin: germline.
Comment: This sequence change replaces glutamic acid with glutamine at codon 477 of the BICD2 protein (p.Glu477Gln). The glutamic acid residue is moderately conserved and there is a small physicochemical difference between glutamic acid and glutamine. This variant is not present in population databases (ExAC no frequency). This variant has not been reported in the literature in individuals with BICD2-related conditions. Advanced modeling of protein sequence and biophysical properties (such as structural, functional, and spatial information, amino acid conservation, physicochemical variation, residue mobility, and thermodynamic stability) performed at Invitae indicates that this missense variant is not expected to disrupt BICD2 protein function. In summary, the available evidence is currently insufficient to determine the role of this variant in disease. Therefore, it has been classified as a Variant of Uncertain Significance.